The following is an entry in ClinVar:

ClinVar aggregate classification (germline): Uncertain significance (1 of 4 stars; one submission).

Conditions:
Combined immunodeficiency due to MALT1 deficiency. Also called: Immunodeficiency 12. Identifiers: Orphanet 397964, MedGen C3809583, MONDO:0014197, OMIM 615468.

Allele frequency attached by ClinVar (database versions not stated): TOPMed 0.00001; gnomAD exomes 0.00002.
gnomAD v4.1: 24 of 1,613,982 alleles (0.0015%); highest among the groups gnomAD compares: Middle Eastern, 0.35%; no homozygotes.

Submission:

Labcorp Genetics (formerly Invitae), Labcorp
Classification: Uncertain significance for Combined immunodeficiency due to MALT1 deficiency. Last evaluated: 2025-09-28. Review status: criteria provided, single submitter. Criteria: Invitae Variant Classification Sherloc (09022015). Collection method: clinical testing. Allele origin: germline.
Comment: This sequence change replaces asparagine, which is neutral and polar, with serine, which is neutral and polar, at codon 706 of the MALT1 protein (p.Asn706Ser). This variant is present in population databases (no rsID available, gnomAD 0.003%). This variant has not been reported in the literature in individuals affected with MALT1-related conditions. ClinVar contains an entry for this variant (Variation ID: 1038861). Invitae Evidence Modeling of protein sequence and biophysical properties (such as structural, functional, and spatial information, amino acid conservation, physicochemical variation, residue mobility, and thermodynamic stability) indicates that this missense variant is not expected to disrupt MALT1 protein function with a negative predictive value of 80%. Algorithms developed to predict the effect of sequence changes on RNA splicing suggest that this variant may create or strengthen a splice site. In summary, the available evidence is currently insufficient to determine the role of this variant in disease. Therefore, it has been classified as a Variant of Uncertain Significance.

NM_006785.4(MALT1):c.2117A>G (p.Asn706Ser)

Gene: MALT1 (MALT1 paracaspase; plus strand). Cytogenetic location: 18q21.32.
Variant type: single nucleotide variant.
Coding change: c.2117A>G on transcript NM_006785.4 (MANE Select); coding-DNA position 2117, A replaced by G.
Protein change: p.Asn706Ser; replaces asparagine 706 with serine.
Molecular consequence: missense variant.
Genome position (GRCh38, 1-based): chr18:58,747,484, A>G. VCF-style: chr18-58747484-A-G. GRCh37 (hg19) VCF-style: chr18-56414716-A-G.
Other names: c.2084A>G, p.Asn695Ser (NM_173844.3); short protein forms N695S, N706S.
Identifiers: ClinVar variation 1038861 (VCV001038861.8), dbSNP rs865845840, ClinGen allele CA300945581.